The following is an entry in ClinVar:

NM_001010892.3(RSPH4A):c.488G>A (p.Arg163Gln)

Gene: RSPH4A (radial spoke head component 4A; plus strand). Cytogenetic location: 6q22.1.
Variant type: single nucleotide variant.
Coding change: c.488G>A on transcript NM_001010892.3 (MANE Select); coding-DNA position 488, G replaced by A.
Protein change: p.Arg163Gln; replaces arginine 163 with glutamine.
Molecular consequence: missense variant.
Genome position (GRCh38, 1-based): chr6:116,617,111, G>A. VCF-style: chr6-116617111-G-A. GRCh37 (hg19) VCF-style: chr6-116938274-G-A.
Other names: c.488G>A, p.Arg163Gln (NM_001161664.2); short protein forms R163Q.
Identifiers: ClinVar variation 935782 (VCV000935782.11), dbSNP rs1215954352, ClinGen allele CA365393776.
Genomic context (GRCh38, chr6:116,617,111, plus strand): 5'-GCCAGTCAGAAGGAAACACCTTTCAACAGTCTCAGCAACCCAAACCCCACCTGTGTGGAC[G>A]AAGGGACGTGAGCTATAACAACGCTAAACAGAAAGAGCTGAGATTTGACGTTTTTCAGGA-3'
Protein context (NP_001010892.1, residues 153-173): SQQPKPHLCG[Arg163Gln]RDVSYNNAKQ

ClinVar aggregate classification (germline): Uncertain significance. Review status: criteria provided, multiple submitters, no conflicts (2 of 4 stars). 2 submissions from 2 submitters: Uncertain significance (2). Last evaluated 2025-04-01.

Conditions:
Primary ciliary dyskinesia. Also called: Ciliary dyskinesia. Identifiers: Orphanet 244, MedGen C0008780, MONDO:0016575, HP:0012265.

Allele frequency attached by ClinVar (database versions not stated): gnomAD 0.00001; gnomAD exomes 0.00001.

Submissions (2):

Ambry Genetics
Classification: Uncertain significance for Primary ciliary dyskinesia. Last evaluated: 2025-04-01. Review status: criteria provided, single submitter. Criteria: Ambry Variant Classification Scheme 2023. Collection method: clinical testing. Allele origin: germline.

Labcorp Genetics (formerly Invitae), Labcorp
Classification: Uncertain significance for Primary ciliary dyskinesia. Last evaluated: 2019-07-01. Review status: criteria provided, single submitter. Criteria: Invitae Variant Classification Sherloc (09022015). Collection method: clinical testing. Allele origin: germline.
Comment: This sequence change replaces arginine with glutamine at codon 163 of the RSPH4A protein (p.Arg163Gln). The arginine residue is weakly conserved and there is a small physicochemical difference between arginine and glutamine. This variant is not present in population databases (ExAC no frequency). This variant has not been reported in the literature in individuals with RSPH4A-related conditions. Algorithms developed to predict the effect of missense changes on protein structure and function (SIFT, PolyPhen-2, Align-GVGD) all suggest that this variant is likely to be tolerated, but these predictions have not been confirmed by published functional studies and their clinical significance is uncertain. In summary, the available evidence is currently insufficient to determine the role of this variant in disease. Therefore, it has been classified as a Variant of Uncertain Significance.